The following is an entry in ClinVar:

ClinVar aggregate classification (germline): Conflicting classifications of pathogenicity. Review status: criteria provided, conflicting classifications (1 of 4 stars). 2 submissions from 2 submitters: Likely pathogenic (1); Uncertain significance (1). Last evaluated 2025-06-02.

Conditions:
Inherited prostate cancer.
Hereditary breast ovarian cancer syndrome. Also called: BRCA1- and BRCA2-Associated Hereditary Breast and Ovarian Cancer; Hereditary breast and ovarian cancer; Hereditary breast and ovarian cancer syndrome; Hereditary breast and ovarian cancer syndrome (HBOC); Breast and ovarian cancer; Hereditary breast and/or ovarian cancer syndrome. Identifiers: Orphanet 145, MedGen C0677776, MeSH D061325, MONDO:0003582. Disease mechanism: loss of function.

Submissions (2):

Cambridge Genomics Laboratory, East Genomic Laboratory Hub, NHS Genomic Medicine Service
Classification: Likely pathogenic for Inherited prostate cancer. Last evaluated: 2025-06-02. Review status: criteria provided, single submitter. Criteria: ACGS Best Practice Guidelines for Variant Classification in Rare Disease 2020. Collection method: clinical testing. Allele origin: germline. Affected: yes.
Comment: PS3,PM1_Supporting,PM2,PP3

Labcorp Genetics (formerly Invitae), Labcorp
Classification: Uncertain significance for Hereditary breast ovarian cancer syndrome. Last evaluated: 2023-04-28. Review status: criteria provided, single submitter. Criteria: Invitae Variant Classification Sherloc (09022015). Collection method: clinical testing. Allele origin: germline.
Comment: This sequence change replaces aspartic acid, which is acidic and polar, with valine, which is neutral and non-polar, at codon 2661 of the BRCA2 protein (p.Asp2661Val). This variant is not present in population databases (gnomAD no frequency). This variant has not been reported in the literature in individuals affected with BRCA2-related conditions. ClinVar contains an entry for this variant (Variation ID: 1466698). Advanced modeling of protein sequence and biophysical properties (such as structural, functional, and spatial information, amino acid conservation, physicochemical variation, residue mobility, and thermodynamic stability) has been performed at Invitae for this missense variant, however the output from this modeling did not meet the statistical confidence thresholds required to predict the impact of this variant on BRCA2 protein function. In summary, the available evidence is currently insufficient to determine the role of this variant in disease. Therefore, it has been classified as a Variant of Uncertain Significance.

NM_000059.4(BRCA2):c.7982A>T (p.Asp2661Val)

Gene: BRCA2 (BRCA2 DNA repair associated; plus strand). Cytogenetic location: 13q13.1.
Variant type: single nucleotide variant.
Coding change: c.7982A>T on transcript NM_000059.4 (MANE Select); coding-DNA position 7982, A replaced by T.
Protein change: p.Asp2661Val; replaces aspartic acid 2661 with valine.
Molecular consequence: missense variant.
Genome position (GRCh38, 1-based): chr13:32,363,184, A>T. VCF-style: chr13-32363184-A-T. GRCh37 (hg19) VCF-style: chr13-32937321-A-T.
Other names: short protein forms D2661V.
Identifiers: ClinVar variation 1466698 (VCV001466698.9), dbSNP rs2137579611, ClinGen allele CA387748522.
Genomic context (GRCh38, chr13:32,363,184, plus strand): 5'-AGTGGAATTCTAGAGTCACACTTCCTAAAATATGCATTTTTGTTTTCACTTTTAGATATG[A>T]TACGGAAATTGATAGAAGCAGAAGATCGGCTATAAAAAAGATAATGGAAAGGGATGACAC-3'
Protein context (NP_000050.3, residues 2651-2671): RVLLQLKYRY[Asp2661Val]TEIDRSRRSA